The following is an entry in ClinVar:

ClinVar aggregate classification (germline): Uncertain significance (1 of 4 stars; one submission).

Conditions:
Symmetrical dyschromatosis of extremities (DSH). Also called: RETICULATE ACROPIGMENTATION OF DOHI; SYMMETRIC DYSCHROMATOSIS OF THE EXTREMITIES; DYSCHROMATOSIS SYMMETRICA HEREDITARIA 1; Dyschromatosis symmetrica hereditaria. Identifiers: Orphanet 41, MedGen C0406775, MONDO:0007483, OMIM 127400.
Aicardi-Goutieres syndrome 6 (AGS6). Identifiers: Orphanet 51, MedGen C3539013, MONDO:0014007, OMIM 615010.

Allele frequency attached by ClinVar (database versions not stated): gnomAD exomes below 0.00001; gnomAD 0.00001; TOPMed 0.00003.
gnomAD v4.1: 2 of 1,614,104 alleles (0.00012%); highest among the groups gnomAD compares: African/African-American, 0.0027%; no homozygotes.

Submission:

Labcorp Genetics (formerly Invitae), Labcorp
Classification: Uncertain significance for Aicardi-Goutieres syndrome 6; Symmetrical dyschromatosis of extremities. Last evaluated: 2024-03-16. Review status: criteria provided, single submitter. Criteria: Invitae Variant Classification Sherloc (09022015). Collection method: clinical testing. Allele origin: germline.
Comment: This sequence change replaces proline, which is neutral and non-polar, with arginine, which is basic and polar, at codon 290 of the ADAR protein (p.Pro290Arg). This variant is present in population databases (no rsID available, gnomAD 0.01%). This variant has not been reported in the literature in individuals affected with ADAR-related conditions. ClinVar contains an entry for this variant (Variation ID: 1037306). Advanced modeling of protein sequence and biophysical properties (such as structural, functional, and spatial information, amino acid conservation, physicochemical variation, residue mobility, and thermodynamic stability) performed at Invitae indicates that this missense variant is not expected to disrupt ADAR protein function with a negative predictive value of 80%. In summary, the available evidence is currently insufficient to determine the role of this variant in disease. Therefore, it has been classified as a Variant of Uncertain Significance.

NM_001111.5(ADAR):c.869C>G (p.Pro290Arg)

Gene: ADAR (adenosine deaminase RNA specific; minus strand). Cytogenetic location: 1q21.3.
Variant type: single nucleotide variant.
Coding change: c.869C>G on transcript NM_001111.5 (MANE Select); coding-DNA position 869, C replaced by G.
Protein change: p.Pro290Arg; replaces proline 290 with arginine.
Molecular consequence: missense variant. On other transcripts: 5 prime UTR variant (6).
Genome position (GRCh38, 1-based): chr1:154,601,773, G>C on the plus strand (C>G on the coding strand, the complement: ADAR is on the minus strand). VCF-style: chr1-154601773-G-C. GRCh37 (hg19) VCF-style: chr1-154574249-G-C.
Other names: c.-17C>G (NM_001025107.3, NM_001193495.2, NM_001365046.1 and 3 more transcripts); c.896C>G, p.Pro299Arg (NM_001365045.1); c.869C>G, p.Pro290Arg (NM_015840.4, NM_015841.4); short protein forms P290R, P299R.
Identifiers: ClinVar variation 1037306 (VCV001037306.8), dbSNP rs1284913091, ClinGen allele CA342599622.
Genomic context (GRCh38, chr1:154,601,773, plus strand): 5'-ACATTGAAGAGATAGTCGCAGATTTTCTCCTTGATCTCGGCCATGTCTAAAAACTCAAGA[G>C]GATCTTCCAAGGCAGATGTGGAGTTGCTGTCTTCAGGTTCCAAACCTGGGTCTGAGTTTG-3'
Protein context (NP_001102.3, residues 280-300): DSNSTSALED[Pro290Arg]LEFLDMAEIK